The following is an entry in ClinVar:

NM_014991.6(WDFY3):c.4934T>C (p.Ile1645Thr)

Gene: WDFY3 (WD repeat and FYVE domain containing 3; minus strand). Cytogenetic location: 4q21.23.
Variant type: single nucleotide variant.
Coding change: c.4934T>C on transcript NM_014991.6 (MANE Select); coding-DNA position 4934, T replaced by C.
Protein change: p.Ile1645Thr; replaces isoleucine 1645 with threonine.
Molecular consequence: missense variant.
Genome position (GRCh38, 1-based): chr4:84,766,288, A>G on the plus strand (T>C on the coding strand, the complement: WDFY3 is on the minus strand). VCF-style: chr4-84766288-A-G. GRCh37 (hg19) VCF-style: chr4-85687441-A-G.
Other names: short protein forms I1645T.
Identifiers: ClinVar variation 4529879 (VCV004529879.1).

ClinVar aggregate classification (germline): Uncertain significance (1 of 4 stars; one submission).

Submission:

GeneDx
Classification: Uncertain significance. Last evaluated: 2025-05-12. Review status: criteria provided, single submitter. Criteria: GeneDx Variant Classification Process June 2021. Collection method: clinical testing. Allele origin: germline. Affected: yes.
Comment: Not observed at significant frequency in large population cohorts (gnomAD); In silico analysis supports that this missense variant has a deleterious effect on protein structure/function; Has not been previously published as pathogenic or benign to our knowledge